The following is an entry in ClinVar:

NM_006268.5(DPF2):c.637+254C>G

Gene: DPF2 (double PHD fingers 2; plus strand). Cytogenetic location: 11q13.1.
Variant type: single nucleotide variant.
Coding change: c.637+254C>G on transcript NM_006268.5 (MANE Select); 254 bases into the intron after coding-DNA position 637, C replaced by G.
Molecular consequence: intron variant.
Genome position (GRCh38, 1-based): chr11:65,344,323, C>G. VCF-style: chr11-65344323-C-G. GRCh37 (hg19) VCF-style: chr11-65111794-C-G.
Other names: c.637+254C>G (NM_001330308.2).
Identifiers: ClinVar variation 5039760 (VCV005039760.1).

ClinVar aggregate classification (germline): Likely benign (1 of 4 stars; one submission).

gnomAD v4.1: 38 of 612,224 alleles (0.0062%); highest among the groups gnomAD compares: Admixed American, 0.061%; no homozygotes.

Submission:

CeGaT Center for Human Genetics Tuebingen
Classification: Likely benign. Last evaluated: 2026-07-01. Review status: criteria provided, single submitter. Criteria: CeGaT Center For Human Genetics Tuebingen Variant Classification Criteria Version 2. Collection method: clinical testing. Allele origin: germline. Affected: yes. Observed: 1 variant allele.
Comment: DPF2: BP4, BP7